The following is an entry in ClinVar:

NM_024408.4(NOTCH2):c.6037C>T (p.Pro2013Ser)

Gene: NOTCH2 (notch receptor 2; minus strand). Cytogenetic location: 1p12.
Variant type: single nucleotide variant.
Coding change: c.6037C>T on transcript NM_024408.4 (MANE Select); coding-DNA position 6037, C replaced by T.
Protein change: p.Pro2013Ser; replaces proline 2013 with serine.
Molecular consequence: missense variant.
Genome position (GRCh38, 1-based): chr1:119,916,685, G>A on the plus strand (C>T on the coding strand, the complement: NOTCH2 is on the minus strand). VCF-style: chr1-119916685-G-A. GRCh37 (hg19) VCF-style: chr1-120459308-G-A.
Other names: short protein forms P2013S.
Identifiers: ClinVar variation 4739543 (VCV004739543.1).

ClinVar aggregate classification (germline): Uncertain significance (1 of 4 stars; one submission).

Conditions:
Hajdu-Cheney syndrome (HJCYS). Also called: Acroosteolysis dominant type; ACROOSTEOLYSIS WITH OSTEOPOROSIS AND CHANGES IN SKULL AND MANDIBLE; SERPENTINE FIBULA-POLYCYSTIC KIDNEY SYNDROME. Identifiers: Orphanet 955, MedGen C0917715, MONDO:0007057, OMIM 102500.

gnomAD v4.1: 18 of 1,614,132 alleles (0.0011%); highest among the groups gnomAD compares: Non-Finnish European, 0.0015%; 1 homozygote.

Submission:

Labcorp Genetics (formerly Invitae), Labcorp
Classification: Uncertain significance for Hajdu-Cheney syndrome. Last evaluated: 2025-11-14. Review status: criteria provided, single submitter. Criteria: Invitae Variant Classification Sherloc (09022015). Collection method: clinical testing. Allele origin: germline.
Comment: This sequence change replaces proline, which is neutral and non-polar, with serine, which is neutral and polar, at codon 2013 of the NOTCH2 protein (p.Pro2013Ser). This variant is present in population databases (rs752104745, gnomAD 0.008%), including at least one homozygous and/or hemizygous individual. This variant has not been reported in the literature in individuals affected with NOTCH2-related conditions. Invitae Evidence Modeling of protein sequence and biophysical properties (such as structural, functional, and spatial information, amino acid conservation, physicochemical variation, residue mobility, and thermodynamic stability) indicates that this missense variant is expected to disrupt NOTCH2 protein function with a positive predictive value of 80%. In summary, the available evidence is currently insufficient to determine the role of this variant in disease. Therefore, it has been classified as a Variant of Uncertain Significance.